The following is an entry in ClinVar:

ClinVar aggregate classification (germline): Conflicting classifications of pathogenicity. Review status: criteria provided, conflicting classifications (1 of 4 stars). 17 submissions from 17 submitters: Uncertain significance (1); Benign (5); Likely benign (9). 2 of the submissions do not count toward it. Last evaluated 2026-02-04.

Conditions:
APC-Associated Polyposis Disorders.
Hereditary cancer-predisposing syndrome. Also called: Hereditary neoplastic syndrome; Tumor predisposition; Neoplastic Syndromes, Hereditary; Hereditary Cancer Syndrome. Identifiers: Orphanet 140162, MedGen C0027672, MeSH D009386, MONDO:0015356.
Familial adenomatous polyposis 1 (FAP1). Also called: POLYPOSIS, ADENOMATOUS INTESTINAL; FAMILIAL ADENOMATOUS POLYPOSIS 1, ATTENUATED. Identifiers: MedGen C2713442, MONDO:0021056, OMIM 175100. Disease mechanism: loss of function.
Carcinoma of colon (CRC). Also called: Colonic carcinoma; Colon carcinoma. Identifiers: MedGen C0699790, MONDO:0002032.
Neoplasm of the liver. Identifiers: MedGen C0023903, HP:0002896.

Allele frequency attached by ClinVar (database versions not stated): gnomAD 0.00018; TOPMed 0.00024; ExAC 0.00057; gnomAD exomes 0.00061.
gnomAD v4.1: 211 of 1,613,984 alleles (0.013%); highest among the groups gnomAD compares: East Asian, 0.38%; no homozygotes.

Submissions (17):

Labcorp Genetics (formerly Invitae), Labcorp
Classification: Benign for Familial adenomatous polyposis 1. Last evaluated: 2026-02-04. Review status: criteria provided, single submitter. Criteria: Invitae Variant Classification Sherloc (09022015). Collection method: clinical testing. Allele origin: germline.

Center for Genomic Medicine, Rigshospitalet, Copenhagen University Hospital
Classification: Benign. Last evaluated: 2025-03-04. Review status: criteria provided, single submitter. Criteria: ACMG Guidelines, 2015. Collection method: clinical testing. Allele origin: germline.

Institute for Biomarker Research, Medical Diagnostic Laboratories, L.L.C.
Classification: Likely benign for Hereditary cancer-predisposing syndrome. Last evaluated: 2025-01-30. Review status: criteria provided, single submitter. Criteria: ACMG Guidelines, 2015. Collection method: clinical testing. Allele origin: germline.
Comment: The missense variant NM_000038.6(APC):c.3374T>C (p.Val1125Ala) has not been reported previously as a pathogenic variant , to our knowledge. The p.Val1125Ala variant is observed in 148/18,364 (0.8059%) alleles from individuals of gnomAD East Asian background in gnomAD, which is greater than expected for the disorder. There is a small physicochemical difference between valine and alanine, which is not likely to impact secondary protein structure as these residues share similar properties. For these reasons, this variant has been classified as Likely Benign

Quest Diagnostics Nichols Institute San Juan Capistrano
Classification: Benign. Last evaluated: 2025-01-07. Review status: criteria provided, single submitter. Criteria: Quest Diagnostics criteria. Collection method: clinical testing. Allele origin: unknown.

Blueprint Genetics
Classification: Likely benign. Last evaluated: 2024-02-29. Review status: criteria provided, single submitter. Criteria: ACMG Guidelines, 2015. Collection method: clinical testing. Allele origin: germline.

Myriad Genetics, Inc.
Classification: Likely benign for Familial adenomatous polyposis 1. Last evaluated: 2023-02-22. Review status: criteria provided, single submitter. Criteria: Myriad Autosomal Dominant, Autosomal Recessive and X-Linked Classification Criteria (2023). Collection method: clinical testing. Allele origin: unknown.
Comment: This variant is considered likely benign. This variant has been observed at a population frequency that is significantly greater than expected given the associated disease prevalence and penetrance.

Women's Health and Genetics/Laboratory Corporation of America, LabCorp
Classification: Benign. Last evaluated: 2021-02-08. Review status: criteria provided, single submitter. Criteria: LabCorp Variant Classification Summary - May 2015. Collection method: clinical testing. Allele origin: germline.
Comment: Variant summary: APC c.3374T>C (p.Val1125Ala) results in a non-conservative amino acid change in the encoded protein sequence. Three of five in-silico tools predict a benign effect of the variant on protein function. The variant allele was found at a frequency of 0.00061 in 251058 control chromosomes, predominantly at a frequency of 0.0081 within the East Asian subpopulation in the gnomAD database, including 1 homozygotes. The observed variant frequency within East Asian control individuals in the gnomAD database is approximately 113 fold of the estimated maximal expected allele frequency for a pathogenic variant in APC causing Familial Adenomatous Polyposis phenotype (7.1e-05), strongly suggesting that the variant is a benign polymorphism found primarily in populations of East Asian origin. c.3374T>C, has been reported in the literature in individuals affected with Familial Adenomatous Polyposis and other gastrointestinal polyposes/cancers, however without strong evidence for pathogenicity (example, Chang_2016, Kohda_2016, Li_2015, Grant_2015, Azzopard_2008, Tung_2016). In a Chinese family, this variant seemed to segregate with the disease in five affected members with FAP syndrome, however it cannot be ruled out that other undetected pathogenic variants could have actually explained the phenotype (Li_2015). Therefore these reports do not provide unequivocal conclusions about association of the variant with Familial Adenomatous Polyposis. To our knowledge, no experimental evidence demonstrating an impact on protein function has been reported. Ten clinical diagnostic laboratories have submitted clinical-significance assessments for this variant to ClinVar after 2014 without evidence for independent evaluation (likely benign/benign, n=9; VUS, n=1). Based on the evidence outlined above reflecting the consensus among peers the variant was classified as benign.

Sema4
Classification: Likely benign for Hereditary cancer-predisposing syndrome. Last evaluated: 2020-08-14. Review status: criteria provided, single submitter. Criteria: Sema4 Curation Guidelines. Collection method: curation. Allele origin: germline.

Mendelics
Classification: Benign for Familial adenomatous polyposis 1. Last evaluated: 2019-05-28. Review status: criteria provided, single submitter. Criteria: Mendelics Assertion Criteria 2017. Collection method: clinical testing. Allele origin: unknown.

Illumina Laboratory Services, Illumina
Classification: Likely benign for APC-Associated Polyposis Disorders. Last evaluated: 2019-05-03. Review status: criteria provided, single submitter. Criteria: ICSL Variant Classification Criteria 13 December 2019. Collection method: clinical testing. Allele origin: germline.
Comment: This variant was observed as part of a predisposition screen in an ostensibly healthy population. A literature search was performed for the gene, cDNA change, and amino acid change (where applicable). Publications were found based on this search. The evidence from the literature, in combination with allele frequency data from public databases where available, was sufficient to determine this variant is unlikely to cause disease. Therefore, this variant is classified as likely benign.

Ambry Genetics
Classification: Likely benign for Hereditary cancer-predisposing syndrome. Last evaluated: 2018-11-06. Review status: criteria provided, single submitter. Criteria: Ambry Variant Classification Scheme 2023. Collection method: clinical testing. Allele origin: germline.

ARUP Laboratories, Molecular Genetics and Genomics, ARUP Laboratories
Classification: Likely benign. Last evaluated: 2018-10-23. Review status: criteria provided, single submitter. Criteria: ARUP Molecular Germline Variant Investigation Process. Collection method: clinical testing. Allele origin: germline.

GeneDx
Classification: Likely benign. Last evaluated: 2017-10-27. Review status: criteria provided, single submitter. Criteria: GeneDx Variant Classification (06012015). Collection method: clinical testing. Allele origin: germline. Affected: yes.
Comment: This variant is considered likely benign or benign based on one or more of the following criteria: it is a conservative change, it occurs at a poorly conserved position in the protein, it is predicted to be benign by multiple in silico algorithms, and/or has population frequency not consistent with disease.

3DMed Clinical Laboratory Inc
Classification: Uncertain significance for Neoplasm of the liver. Last evaluated: 2017-01-12. Review status: criteria provided, single submitter. Criteria: ACMG Guidelines, 2015. Collection method: clinical testing. Allele origin: germline. Affected: yes.

Color Diagnostics, LLC DBA Color Health
Classification: Likely benign for Hereditary cancer-predisposing syndrome. Last evaluated: 2016-08-26. Review status: criteria provided, single submitter. Criteria: ACMG Guidelines, 2015. Collection method: clinical testing. Allele origin: germline.

Counsyl
Classification: Likely benign for Familial adenomatous polyposis 1. Last evaluated: 2018-03-12. Review status: no assertion criteria provided. Collection method: clinical testing. Allele origin: unknown. Not counted in ClinVar's aggregate classification.

Department of Pathology and Laboratory Medicine, Sinai Health System
Classification: Likely benign for Carcinoma of colon. Review status: no assertion criteria provided. Collection method: clinical testing. Allele origin: unknown. Affected: yes. Study: The Canadian Open Genetics Repository (COGR). Not counted in ClinVar's aggregate classification.
Comment: The APC p.Val1125Ala variant was identified in 5 of 2666 proband chromosomes (frequency: 0.002) from individuals or families with colon and breast cancer (Chen 2006, Azzopardi 2008, Tung 2016). The variant was also identified in dbSNP (ID: rs377278397) as â€šÃ„ÃºWith Uncertain significance alleleâ€šÃ„Ã¹, ClinVar (as uncertain significance by GeneDx, likely benign by Ambry Genetics and Illumina, and benign by Invitae), Clinvitae (4x), and Zhejiang Colon Cancer Database. The variant was not identified in Cosmic, MutDB, LOVD 3.0, and UMD-LSDB databases. The variant was identified in control databases in 167 of 276336 chromosomes at a frequency of 0.0006 in the following populations: African in 1 of 23940 chromosomes (freq. 0.00004), East Asian in 160 (1 homozygous) of 18838 chromosomes (freq. 0.008), Other in 4 of 6452 chromosomes (freq. 0.0006), South Asian in 1 of 30754 chromosomes (freq. 0.00003), and Latino in 1 of 34390 chromosomes (freq. 0.00003), increasing the likelihood that this may be a low frequency benign variant in certain populations of origin (Genome Aggregation Consortium Feb 27, 2017). The p.Val1125Ala residue is conserved in in mammals but not in more distantly related organisms, with the variant amino acid Alanine (Ala) present in the African clawed frog, however computational analyses (PolyPhen-2, SIFT, AlignGVGD, BLOSUM, MutationTaster) do not suggest a high likelihood of impact to the protein; this information is not predictive enough to rule out pathogenicity. The variant occurs outside of the splicing consensus sequence and in silico or computational prediction software programs (SpliceSiteFinder, MaxEntScan, NNSPLICE, GeneSplicer, HumanSpliceFinder) do not predict a difference in splicing. In summary, based on the above information the clinical significance of this variant cannot be determined with certainty at this time although we would lean towards a more benign role for this variant. This variant is classified as likely benign.

Literature cited by the submitters: PubMed 26976419 (cited by 3 submitters); PubMed 16569251 (cited by 5 submitters); PubMed 27121310 (cited by 3 submitters); PubMed 18199528 (cited by 5 submitters); PubMed 21859464 (cited by Quest Diagnostics Nichols Institute San Juan Capistrano and Illumina Laboratory Services, Illumina); PubMed 26252958 (cited by 5 submitters); PubMed 33352971 (cited by Quest Diagnostics Nichols Institute San Juan Capistrano); PubMed 25479140 (cited by Women's Health and Genetics/Laboratory Corporation of America, LabCorp); PubMed 26837502 (cited by Women's Health and Genetics/Laboratory Corporation of America, LabCorp and Counsyl); PubMed 26173098 (cited by Illumina Laboratory Services, Illumina and 3DMed Clinical Laboratory Inc); PubMed 26580448 (cited by Counsyl).

NM_000038.6(APC):c.3374T>C (p.Val1125Ala)

Gene: APC (APC regulator of Wnt signaling pathway; plus strand). Cytogenetic location: 5q22.2.
Variant type: single nucleotide variant.
Coding change: c.3374T>C on transcript NM_000038.6 (MANE Select); coding-DNA position 3374, T replaced by C.
Protein change: p.Val1125Ala; replaces valine 1125 with alanine.
Molecular consequence: missense variant.
Genome position (GRCh38, 1-based): chr5:112,838,968, T>C. VCF-style: chr5-112838968-T-C. GRCh37 (hg19) VCF-style: chr5-112174665-T-C.
Other names: c.3374T>C, p.Val1125Ala (NM_001127510.3, NM_001354895.2); c.3320T>C, p.Val1107Ala (NM_001127511.3); c.3428T>C, p.Val1143Ala (NM_001354896.2); c.3404T>C, p.Val1135Ala (NM_001354897.2); c.3299T>C, p.Val1100Ala (NM_001354898.2); c.3290T>C, p.Val1097Ala (NM_001354899.2); c.3251T>C, p.Val1084Ala (NM_001354900.2); c.3197T>C, p.Val1066Ala (NM_001354901.2); and 5 more; short protein forms V1125A, V1107A, V1097A, V999A, V1024A, V1084A, V1100A, V842A.
Identifiers: ClinVar variation 132749 (VCV000132749.40), dbSNP rs377278397, ClinGen allele CA008333.
Genomic context (GRCh38, chr5:112,838,968, plus strand): 5'-GGGGAGCCAATGGTTCAGAAACAAATCGAGTGGGTTCTAATCATGGAATTAATCAAAATG[T>C]AAGCCAGTCTTTGTGTCAAGAAGATGACTATGAAGATGATAAGCCTACCAATTATAGTGA-3'
Protein context (NP_000029.2, residues 1115-1135): VGSNHGINQN[Val1125Ala]SQSLCQEDDY